The following is an entry in ClinVar:

NM_001008212.2(OPTN):c.1074C>A (p.Asn358Lys)

Gene: OPTN (optineurin; plus strand). Cytogenetic location: 10p13.
Variant type: single nucleotide variant.
Coding change: c.1074C>A on transcript NM_001008212.2 (MANE Select); coding-DNA position 1074, C replaced by A.
Protein change: p.Asn358Lys; replaces asparagine 358 with lysine.
Molecular consequence: missense variant.
Genome position (GRCh38, 1-based): chr10:13,125,493, C>A. VCF-style: chr10-13125493-C-A. GRCh37 (hg19) VCF-style: chr10-13167493-C-A.
Other names: c.1074C>A, p.Asn358Lys (NM_001008211.1, NM_001008213.1, NM_021980.4); short protein forms N358K.
Identifiers: ClinVar variation 4783269 (VCV004783269.1).

ClinVar aggregate classification (germline): Uncertain significance (1 of 4 stars; one submission).

Conditions:
Primary open angle glaucoma (POAG). Also called: OPTN-related open angle glaucoma. Identifiers: MedGen C0339573, MONDO:0100553, OMIM 137760.
Glaucoma 1, open angle, E. Identifiers: MedGen C1842026, MONDO:0007665.
Amyotrophic lateral sclerosis type 12 (ALS12). Also called: AMYOTROPHIC LATERAL SCLEROSIS 12 WITH OR WITHOUT FRONTOTEMPORAL DEMENTIA. Identifiers: Orphanet 803, MedGen C3150692, MONDO:0013264, OMIM 613435.

gnomAD v4.1: 2 of 1,613,958 alleles (0.00012%); highest among the groups gnomAD compares: Non-Finnish European, 0.00017%; no homozygotes.

Submission:

Labcorp Genetics (formerly Invitae), Labcorp
Classification: Uncertain significance for Primary open angle glaucoma; Glaucoma 1, open angle, E; Amyotrophic lateral sclerosis type 12. Last evaluated: 2025-03-18. Review status: criteria provided, single submitter. Criteria: Invitae Variant Classification Sherloc (09022015). Collection method: clinical testing. Allele origin: germline.
Comment: This sequence change replaces asparagine, which is neutral and polar, with lysine, which is basic and polar, at codon 358 of the OPTN protein (p.Asn358Lys). This variant is not present in population databases (gnomAD no frequency). This variant has not been reported in the literature in individuals affected with OPTN-related conditions. Invitae Evidence Modeling of protein sequence and biophysical properties (such as structural, functional, and spatial information, amino acid conservation, physicochemical variation, residue mobility, and thermodynamic stability) indicates that this missense variant is not expected to disrupt OPTN protein function with a negative predictive value of 80%. In summary, the available evidence is currently insufficient to determine the role of this variant in disease. Therefore, it has been classified as a Variant of Uncertain Significance.